The following is an entry in ClinVar:

NM_001244008.2(KIF1A):c.1763G>T (p.Arg588Leu)

Gene: KIF1A (kinesin family member 1A; minus strand). Cytogenetic location: 2q37.3.
Variant type: single nucleotide variant.
Coding change: c.1763G>T on transcript NM_001244008.2 (MANE Select); coding-DNA position 1763, G replaced by T.
Protein change: p.Arg588Leu; replaces arginine 588 with leucine.
Molecular consequence: missense variant.
Genome position (GRCh38, 1-based): chr2:240,765,715, C>A on the plus strand (G>T on the coding strand, the complement: KIF1A is on the minus strand). VCF-style: chr2-240765715-C-A. GRCh37 (hg19) VCF-style: chr2-241705132-C-A.
Other names: c.1763G>T, p.Arg588Leu (NM_001320705.2, NM_001330289.2, NM_001379638.1); c.1838G>T, p.Arg613Leu (NM_001330290.2, NM_001379631.1, NM_001379634.1 and 2 more transcripts); c.1736G>T, p.Arg579Leu (NM_001379632.1, NM_001379633.1, NM_001379636.1 and 10 more transcripts); c.1811G>T, p.Arg604Leu (NM_001379637.1, NM_001379648.1); short protein forms R579L, R588L, R604L, R613L.
Identifiers: ClinVar variation 4085570 (VCV004085570.8).

ClinVar aggregate classification (germline): Uncertain significance (1 of 4 stars; one submission).

Submission:

CeGaT Center for Human Genetics Tuebingen
Classification: Uncertain significance. Last evaluated: 2025-07-01. Review status: criteria provided, single submitter. Criteria: CeGaT Center For Human Genetics Tuebingen Variant Classification Criteria Version 2. Collection method: clinical testing. Allele origin: germline. Affected: yes. Observed: 1 variant allele.
Comment: KIF1A: PM2, PP2